The following is an entry in ClinVar:

ClinVar aggregate classification (germline): Uncertain significance (1 of 4 stars; one submission).

Conditions:
Combined immunodeficiency due to DOCK8 deficiency (HIES2). Also called: HIES autosomal recessive; HYPER-IgE RECURRENT INFECTION SYNDROME 2, AUTOSOMAL RECESSIVE; HYPER-IgE SYNDROME 2, AUTOSOMAL RECESSIVE, WITH RECURRENT INFECTIONS; DOCK8 Deficiency; Hyper-IgE recurrent infection syndrome, autosomal recessive. Identifiers: Orphanet 217390, MedGen C4722305, MONDO:0009478, OMIM 243700.

Submission:

Labcorp Genetics (formerly Invitae), Labcorp
Classification: Uncertain significance for Combined immunodeficiency due to DOCK8 deficiency. Last evaluated: 2022-03-19. Review status: criteria provided, single submitter. Criteria: Invitae Variant Classification Sherloc (09022015). Collection method: clinical testing. Allele origin: germline.
Comment: Algorithms developed to predict the effect of missense changes on protein structure and function are either unavailable or do not agree on the potential impact of this missense change (SIFT: "Deleterious"; PolyPhen-2: "Probably Damaging"; Align-GVGD: "Class C0"). This variant has not been reported in the literature in individuals affected with DOCK8-related conditions. This variant is not present in population databases (gnomAD no frequency). This sequence change replaces lysine, which is basic and polar, with asparagine, which is neutral and polar, at codon 382 of the DOCK8 protein (p.Lys382Asn). In summary, the available evidence is currently insufficient to determine the role of this variant in disease. Therefore, it has been classified as a Variant of Uncertain Significance.

NM_203447.4(DOCK8):c.1146A>C (p.Lys382Asn)

Gene: DOCK8 (dedicator of cytokinesis 8; plus strand). Cytogenetic location: 9p24.3.
Variant type: single nucleotide variant.
Coding change: c.1146A>C on transcript NM_203447.4 (MANE Select); coding-DNA position 1146, A replaced by C.
Protein change: p.Lys382Asn; replaces lysine 382 with asparagine.
Molecular consequence: missense variant.
Genome position (GRCh38, 1-based): chr9:334,245, A>C. VCF-style: chr9-334245-A-C. GRCh37 (hg19) VCF-style: chr9-334245-A-C.
Other names: c.942A>C, p.Lys314Asn (NM_001190458.2, NM_001193536.2); short protein forms K382N, K314N.
Identifiers: ClinVar variation 2114220 (VCV002114220.4), dbSNP rs2537972831, ClinGen allele CA372752528.